The following is an entry in ClinVar:

NM_001365951.3(KIF1B):c.586A>G (p.Met196Val)

Gene: KIF1B (kinesin family member 1B; plus strand). Cytogenetic location: 1p36.22.
Variant type: single nucleotide variant.
Coding change: c.586A>G on transcript NM_001365951.3 (MANE Select); coding-DNA position 586, A replaced by G.
Protein change: p.Met196Val; replaces methionine 196 with valine.
Molecular consequence: missense variant.
Genome position (GRCh38, 1-based): chr1:10,267,536, A>G. VCF-style: chr1-10267536-A-G. GRCh37 (hg19) VCF-style: chr1-10327594-A-G.
Other names: c.586A>G, p.Met196Val (NM_001365952.1, NM_001365953.1, NM_015074.3 and 1 more transcripts); short protein forms M196V.
Identifiers: ClinVar variation 1400145 (VCV001400145.11), dbSNP rs2102205493, ClinGen allele CA338329948.

ClinVar aggregate classification (germline): Uncertain significance. Review status: criteria provided, multiple submitters, no conflicts (2 of 4 stars). 2 submissions from 2 submitters: Uncertain significance (2). Last evaluated 2024-11-06.

Conditions:
Charcot-Marie-Tooth disease type 2. Also called: Charcot-Marie-Tooth type 2. Identifiers: Orphanet 64746, MedGen C0270914, MONDO:0018993.

Allele frequency attached by ClinVar (database versions not stated): gnomAD exomes below 0.00001.

Submissions (2):

Ambry Genetics
Classification: Uncertain significance. Last evaluated: 2024-11-06. Review status: criteria provided, single submitter. Criteria: Ambry Variant Classification Scheme 2023. Collection method: clinical testing. Allele origin: germline.
Comment: The p.M196V variant (also known as c.586A>G), located in coding exon 5 of the KIF1B gene, results from an A to G substitution at nucleotide position 586. The methionine at codon 196 is replaced by valine, an amino acid with highly similar properties. This amino acid position is highly conserved in available vertebrate species. In addition, this alteration is predicted to be deleterious by in silico analysis. The evidence for this gene-disease relationship is limited; therefore, the clinical significance of this alteration is unclear.

Labcorp Genetics (formerly Invitae), Labcorp
Classification: Uncertain significance for Charcot-Marie-Tooth disease type 2. Last evaluated: 2021-06-17. Review status: criteria provided, single submitter. Criteria: Invitae Variant Classification Sherloc (09022015). Collection method: clinical testing. Allele origin: germline.
Comment: This sequence change replaces methionine with valine at codon 196 of the KIF1B protein (p.Met196Val). The methionine residue is highly conserved and there is a small physicochemical difference between methionine and valine. This variant is not present in population databases (ExAC no frequency). This variant has not been reported in the literature in individuals with KIF1B-related conditions. Algorithms developed to predict the effect of missense changes on protein structure and function are either unavailable or do not agree on the potential impact of this missense change (SIFT: "Deleterious"; PolyPhen-2: "Possibly Damaging"; Align-GVGD: "Class C0"). In summary, the available evidence is currently insufficient to determine the role of this variant in disease. Therefore, it has been classified as a Variant of Uncertain Significance.